The following is an entry in ClinVar:

NM_000059.4(BRCA2):c.176C>T (p.Pro59Leu)

Gene: BRCA2 (BRCA2 DNA repair associated; plus strand). Cytogenetic location: 13q13.1.
Variant type: single nucleotide variant.
Coding change: c.176C>T on transcript NM_000059.4 (MANE Select); coding-DNA position 176, C replaced by T.
Protein change: p.Pro59Leu; replaces proline 59 with leucine.
Molecular consequence: missense variant. On other transcripts: 5 prime UTR variant (1), non-coding transcript variant (1).
Genome position (GRCh38, 1-based): chr13:32,319,185, C>T. VCF-style: chr13-32319185-C-T. GRCh37 (hg19) VCF-style: chr13-32893322-C-T.
Other names: c.176C>T, p.Pro59Leu (NM_001406719.1, NM_001406720.1, NM_001406721.1 and 1 more transcripts); c.-194C>T (NM_001406722.1); short protein forms P59L.
Identifiers: ClinVar variation 3386229 (VCV003386229.1).

ClinVar aggregate classification (germline): Uncertain significance (1 of 4 stars; one submission).

Conditions:
BRCA2-related cancer predisposition. Identifiers: MedGen CN377758, MONDO:0700269.

Submission:

All of Us Research Program, National Institutes of Health
Classification: Uncertain significance for BRCA2-related cancer predisposition. Last evaluated: 2024-03-24. Review status: criteria provided, single submitter. Criteria: ACMG Guidelines, 2015. Collection method: clinical testing. Allele origin: germline. Inheritance: Autosomal dominant inheritance. Observed: 1 variant allele, 1 heterozygote.
Comment: This missense variant replaces proline with leucine at codon 59 of the BRCA2 protein. Computational prediction suggests that this variant may not impact protein structure and function (internally defined REVEL score threshold <= 0.5, PMID: 27666373). Splice site prediction tools suggest that this variant may not impact RNA splicing. To our knowledge, functional studies have not been performed for this variant. This variant has not been reported in individuals affected with hereditary cancer in the literature. This variant has not been identified in the general population by the Genome Aggregation Database (gnomAD). The available evidence is insufficient to determine the role of this variant in disease conclusively. Therefore, this variant is classified as a Variant of Uncertain Significance.

This study involves interpretation of variants in research participants for the purpose of population health screening. Participant phenotype was not available at the time of variant classification. Additional details can be found in publication PMID: 35346344, PMCID: PMC8962531